The following is an entry in ClinVar:

ClinVar aggregate classification (germline): Pathogenic/Likely pathogenic. Review status: criteria provided, multiple submitters, no conflicts (2 of 4 stars). 4 submissions from 4 submitters: Pathogenic (3); Likely pathogenic (1). Last evaluated 2024-05-30.

Conditions:
Hereditary cancer-predisposing syndrome. Also called: Hereditary Cancer Syndrome; Neoplastic Syndromes, Hereditary; Hereditary neoplastic syndrome; Tumor predisposition. Identifiers: Orphanet 140162, MedGen C0027672, MeSH D009386, MONDO:0015356.
Neurofibromatosis, type 2 (SWNV). Also called: BILATERAL ACOUSTIC NEUROFIBROMATOSIS; SCHWANNOMATOSIS, VESTIBULAR; NF2-Related Schwannomatosis. Identifiers: Orphanet 637, MedGen C0027832, MONDO:0007039, OMIM 101000. Disease mechanism: loss of function.

Submissions (5):

GeneDx
Classification: Pathogenic. Last evaluated: 2024-05-30. Review status: criteria provided, single submitter. Criteria: GeneDx Variant Classification Process June 2021. Collection method: clinical testing. Allele origin: germline. Affected: yes.
Comment: Canonical splice site variant predicted to result in a null allele in a gene for which loss of function is a known mechanism of disease; Not observed at significant frequency in large population cohorts (gnomAD); This variant is associated with the following publications: (PMID: 25525159, 17222329, 16983642, 30325044, 7759081, 15190457)

Labcorp Genetics (formerly Invitae), Labcorp
Classification: Pathogenic for Neurofibromatosis, type 2. Last evaluated: 2024-02-15. Review status: criteria provided, single submitter. Criteria: Invitae Variant Classification Sherloc (09022015). Collection method: clinical testing. Allele origin: germline.
Comment: This sequence change affects a donor splice site in intron 6 of the NF2 gene. It is expected to disrupt RNA splicing. Variants that disrupt the donor or acceptor splice site typically lead to a loss of protein function (PMID: 16199547), and loss-of-function variants in NF2 are known to be pathogenic (PMID: 9643284, 16983642). This variant is not present in population databases (gnomAD no frequency). Disruption of this splice site has been observed in individuals with clinical features of NF2-related conditions (PMID: 7759081, 16983642; Invitae). This variant is also known as AGgt -> AGat599 +1. ClinVar contains an entry for this variant (Variation ID: 1456945). Algorithms developed to predict the effect of sequence changes on RNA splicing suggest that this variant may disrupt the consensus splice site. For these reasons, this variant has been classified as Pathogenic.

Sema4
Classification: Likely pathogenic for Hereditary cancer-predisposing syndrome. Last evaluated: 2021-09-24. Review status: criteria provided, single submitter. Criteria: Sema4 Curation Guidelines. Collection method: curation. Allele origin: germline.
Comment: The NF2 c.599+1G>A variant has been reported in heterozygosity in at least 1 individual with neurofibromatosis type 2 (PMID: 7759081). This variant is predicted to abolish the canonical splice site leading to an abnormal or absent protein. Loss of function variants in NF2 are known to be pathogenic (PMID: 9643284, 16983642). This variant is not reported in the population database Genome Aggregation Database (PMID: 32461654). This variant has not been reported in ClinVar. Based on the current evidence available, this variant is interpreted as likely pathogenic.

Ambry Genetics
Classification: Pathogenic for Hereditary cancer-predisposing syndrome. Last evaluated: 2017-11-02. Review status: criteria provided, single submitter. Criteria: Ambry Variant Classification Scheme 2023. Collection method: clinical testing. Allele origin: germline.
Comment: The c.599+1G>A intronic pathogenic mutation results from a G to A substitution one nucleotide after coding exon 6 of the NF2 gene. This alteration has been previously identified in the germline of one individual with neurofibromatosis 2 (NF2) and in the tumor of another individual with meningioma (Bourn D et al. Hum. Genet., 1995 May;95:572-4; Hansson CM et al. BMC Genomics, 2007 Jan;8:16). In addition to the clinical data presented in the literature, alterations that disrupt the canonical splice site are expected to cause aberrant splicing, resulting in an abnormal protein or a transcript that is subject to nonsense-mediated mRNA decay. As such, this alteration is classified as a disease-causing mutation.

Dr. Peter K. Rogan Lab, Western University
No classification provided (evidence only). Condition: Clear cell carcinoma of kidney. Review status: no classification provided. Collection method: in vitro. Allele origin: not applicable. Functional consequence: skipped exon, retained intron. Not counted in ClinVar's aggregate classification.

Literature cited by the submitters: PubMed 16199547 (cited by Labcorp Genetics (formerly Invitae), Labcorp); PubMed 9643284 (cited by Labcorp Genetics (formerly Invitae), Labcorp and Sema4); PubMed 16983642 (cited by Labcorp Genetics (formerly Invitae), Labcorp and Sema4); PubMed 7759081 (cited by 3 submitters); PubMed 17222329 (cited by Ambry Genetics).

NM_000268.4(NF2):c.599+1G>A

Gene: NF2 (NF2, moesin-ezrin-radixin like (MERLIN) tumor suppressor; plus strand). Cytogenetic location: 22q12.2.
Variant type: single nucleotide variant.
Coding change: c.599+1G>A on transcript NM_000268.4 (MANE Select); the canonical splice donor site of the intron after coding-DNA position 599, G replaced by A.
Molecular consequence: splice donor variant. On other transcripts: intron variant (1).
Genome position (GRCh38, 1-based): chr22:29,655,677, G>A. VCF-style: chr22-29655677-G-A. GRCh37 (hg19) VCF-style: chr22-30051666-G-A.
Other names: c.599+1G>A (NM_016418.5, NM_181832.3, NM_001407060.1 and 4 more transcripts); c.485+1G>A (NM_001407056.1, NM_001407053.1); c.368+1G>A (NM_001407067.1); c.65+1G>A (NM_001407065.1); c.447+13392G>A (NM_181833.3); c.476+1G>A (NM_001407058.1, NM_181829.3, NM_001407054.1 and 1 more transcripts); c.473+1G>A (NM_181828.3, NM_001407055.1); c.350+1G>A (NM_001407063.1, NM_181830.3, NM_001407064.1 and 1 more transcripts).
Identifiers: ClinVar variation 1456945 (VCV001456945.11), dbSNP rs1555993352, ClinGen allele CA411142735.